The following is an entry in ClinVar:

NM_005751.5(AKAP9):c.11546+321T>C

Gene: AKAP9 (A-kinase anchoring protein 9; plus strand). Cytogenetic location: 7q21.2.
Variant type: single nucleotide variant.
Coding change: c.11546+321T>C on transcript NM_005751.5 (MANE Select); 321 bases into the intron after coding-DNA position 11546, T replaced by C.
Molecular consequence: intron variant.
Genome position (GRCh38, 1-based): chr7:92,107,743, T>C. VCF-style: chr7-92107743-T-C. GRCh37 (hg19) VCF-style: chr7-91737057-T-C.
Other names: c.11522+321T>C (NM_147185.3); c.6191+321T>C (NM_001379277.1).
Identifiers: ClinVar variation 682754 (VCV000682754.2), dbSNP rs7786332, ClinGen allele CA12475513.

ClinVar aggregate classification (germline): Benign. Review status: criteria provided, multiple submitters, no conflicts (2 of 4 stars). 2 submissions from 2 submitters: Benign (2). Last evaluated 2018-06-18.

Allele frequency attached by ClinVar (database versions not stated): gnomAD 0.57107 and 0.57351; TOPMed 0.58122; 1000 Genomes Project 0.60343; 1000 Genomes Project 30x 0.61477.

Submissions (2):

GeneDx
Classification: Benign. Last evaluated: 2018-06-18. Review status: criteria provided, single submitter. Criteria: GeneDx Variant Classification (06012015). Collection method: clinical testing. Allele origin: germline. Affected: yes.
Comment: This variant is considered likely benign or benign based on one or more of the following criteria: it is a conservative change, it occurs at a poorly conserved position in the protein, it is predicted to be benign by multiple in silico algorithms, and/or has population frequency not consistent with disease.

Breakthrough Genomics
Classification: Benign. Review status: criteria provided, single submitter. Criteria: ACMG Guidelines, 2015. Collection method: not provided. Allele origin: germline. Inheritance: Autosomal dominant inheritance. Affected: yes.